The following is an entry in ClinVar:

ClinVar aggregate classification (germline): Uncertain significance (1 of 4 stars; one submission).

Conditions:
Hereditary cancer-predisposing syndrome. Also called: Tumor predisposition; Hereditary Cancer Syndrome; Hereditary neoplastic syndrome; Neoplastic Syndromes, Hereditary. Identifiers: Orphanet 140162, MedGen C0027672, MeSH D009386, MONDO:0015356.
Familial thoracic aortic aneurysm and aortic dissection (TAAD). Also called: Thoracic aortic aneurysms and dissections. Identifiers: Orphanet 91387, MedGen C4707243, MONDO:0019625.

Submission:

Ambry Genetics
Classification: Uncertain significance for Hereditary cancer-predisposing syndrome; Familial thoracic aortic aneurysm and aortic dissection. Last evaluated: 2025-11-16. Review status: criteria provided, single submitter. Criteria: Ambry Variant Classification Scheme 2023. Collection method: clinical testing. Allele origin: germline.
Comment: The p.L143V variant (also known as c.427C>G), located in coding exon 3 of the SMAD4 gene, results from a C to G substitution at nucleotide position 427. The leucine at codon 143 is replaced by valine, an amino acid with highly similar properties. This amino acid position is conserved. In addition, the in silico prediction for this alteration is inconclusive. Based on the available evidence, the clinical significance of this variant remains unclear.

NM_005359.6(SMAD4):c.427C>G (p.Leu143Val)

Gene: SMAD4 (SMAD family member 4; plus strand). Cytogenetic location: 18q21.2.
Variant type: single nucleotide variant.
Coding change: c.427C>G on transcript NM_005359.6 (MANE Select); coding-DNA position 427, C replaced by G.
Protein change: p.Leu143Val; replaces leucine 143 with valine.
Molecular consequence: missense variant. On other transcripts: non-coding transcript variant (2).
Genome position (GRCh38, 1-based): chr18:51,049,297, C>G. VCF-style: chr18-51049297-C-G. GRCh37 (hg19) VCF-style: chr18-48575667-C-G.
Other names: c.427C>G, p.Leu143Val (NM_001407041.1, NM_001407042.1, NM_001407043.1); short protein forms L143V.
Identifiers: ClinVar variation 4559087 (VCV004559087.1).